The following is an entry in ClinVar:

ClinVar aggregate classification (germline): Benign/Likely benign. Review status: criteria provided, multiple submitters, no conflicts (2 of 4 stars). 3 submissions from 3 submitters: Benign (1); Likely benign (2). Last evaluated 2025-12-15.

Conditions:
Vibratory urticaria (VBU). Identifiers: MedGen C0157743, MONDO:0006618, OMIM 125630, HP:0410138.

Allele frequency attached by ClinVar (database versions not stated): TOPMed 0.00003; gnomAD 0.00011; 1000 Genomes Project 30x 0.00016; 1000 Genomes Project 0.00020; ExAC 0.00074.

Submissions (3):

Labcorp Genetics (formerly Invitae), Labcorp
Classification: Likely benign. Last evaluated: 2025-12-15. Review status: criteria provided, single submitter. Criteria: Invitae Variant Classification Sherloc (09022015). Collection method: clinical testing. Allele origin: germline.

CeGaT Center for Human Genetics Tuebingen
Classification: Likely benign. Last evaluated: 2025-11-01. Review status: criteria provided, single submitter. Criteria: CeGaT Center For Human Genetics Tuebingen Variant Classification Criteria Version 2. Collection method: clinical testing. Allele origin: germline. Affected: yes. Observed: 1 variant allele.
Comment: ADGRE2: BP4, BS2

Dr.Nikuei Genetic Center
Classification: Benign for Vibratory urticaria. Last evaluated: 2024-06-27. Review status: criteria provided, single submitter. Criteria: ACMG Guidelines, 2015. Collection method: clinical testing. Allele origin: germline. Affected: no.

NM_013447.4(ADGRE2):c.920C>T (p.Ala307Val)

Gene: ADGRE2 (adhesion G protein-coupled receptor E2; minus strand). Cytogenetic location: 19p13.12.
Variant type: single nucleotide variant.
Coding change: c.920C>T on transcript NM_013447.4 (MANE Select); coding-DNA position 920, C replaced by T.
Protein change: p.Ala307Val; replaces alanine 307 with valine.
Molecular consequence: missense variant.
Genome position (GRCh38, 1-based): chr19:14,764,597, G>A on the plus strand (C>T on the coding strand, the complement: ADGRE2 is on the minus strand). VCF-style: chr19-14764597-G-A. GRCh37 (hg19) VCF-style: chr19-14875409-G-A.
Other names: c.920C>T, p.Ala307Val (NM_001271052.1); c.773C>T, p.Ala258Val (NM_152916.2); c.641C>T, p.Ala214Val (NM_152917.2); short protein forms A214V, A258V, A307V.
Identifiers: ClinVar variation 2168798 (VCV002168798.11), dbSNP rs558010661, ClinGen allele CA9257845.
Genomic context (GRCh38, chr19:14,764,597, plus strand): 5'-TGCTGCTGTAAGCGGGGCAGGGTCTCCAGGTCCCCAGGGGCCTCCAGCAGCTCATCCAGC[G>A]CCTGTAAGATGCTCTGGAGGGATGTGGACACAGACCTAGTGAGCCATGGGCCAGAGGGCC-3'
Protein context (NP_038475.2, residues 297-317): ANNTIQSILQ[Ala307Val]LDELLEAPGD